The following is an entry in ClinVar:

NM_003482.4(KMT2D):c.5971G>C (p.Gly1991Arg)

Gene: KMT2D (lysine methyltransferase 2D; minus strand). Cytogenetic location: 12q13.12.
Variant type: single nucleotide variant.
Coding change: c.5971G>C on transcript NM_003482.4 (MANE Select); coding-DNA position 5971, G replaced by C.
Protein change: p.Gly1991Arg; replaces glycine 1991 with arginine.
Molecular consequence: missense variant.
Genome position (GRCh38, 1-based): chr12:49,042,227, C>G on the plus strand (G>C on the coding strand, the complement: KMT2D is on the minus strand). VCF-style: chr12-49042227-C-G. GRCh37 (hg19) VCF-style: chr12-49436010-C-G.
Other names: short protein forms G1991R.
Identifiers: ClinVar variation 2070008 (VCV002070008.4), dbSNP rs1943570818, ClinGen allele CA384627290.

ClinVar aggregate classification (germline): Uncertain significance (1 of 4 stars; one submission).

Conditions:
Kabuki syndrome. Also called: Kabuki make-up syndrome; NIIKAWA-KUROKI SYNDROME. Identifiers: Orphanet 2322, MedGen C0796004, MONDO:0016512.

Allele frequency attached by ClinVar (database versions not stated): TOPMed below 0.00001.

Submission:

Labcorp Genetics (formerly Invitae), Labcorp
Classification: Uncertain significance for Kabuki syndrome. Last evaluated: 2024-05-02. Review status: criteria provided, single submitter. Criteria: Invitae Variant Classification Sherloc (09022015). Collection method: clinical testing. Allele origin: germline.
Comment: This sequence change replaces glycine, which is neutral and non-polar, with arginine, which is basic and polar, at codon 1991 of the KMT2D protein (p.Gly1991Arg). This variant is not present in population databases (gnomAD no frequency). This variant has not been reported in the literature in individuals affected with KMT2D-related conditions. ClinVar contains an entry for this variant (Variation ID: 2070008). Advanced modeling of protein sequence and biophysical properties (such as structural, functional, and spatial information, amino acid conservation, physicochemical variation, residue mobility, and thermodynamic stability) performed at Invitae indicates that this missense variant is not expected to disrupt KMT2D protein function with a negative predictive value of 95%. In summary, the available evidence is currently insufficient to determine the role of this variant in disease. Therefore, it has been classified as a Variant of Uncertain Significance.